The following is an entry in ClinVar:

NM_004360.5(CDH1):c.1404del (p.Ser469fs)

Gene: CDH1 (cadherin 1; plus strand). Cytogenetic location: 16q22.1.
Variant type: Deletion.
Coding change: c.1404del on transcript NM_004360.5 (MANE Select); coding-DNA position 1404, one base deleted (C; older notation c.1404delC).
Protein change: p.Ser469fs; shifts the reading frame from serine 469.
Molecular consequence: frameshift variant. On other transcripts: 5 prime UTR variant (2).
Genome position (GRCh38, 1-based): chr16:68,815,598, C deleted; the last of 2 consecutive C bases (chr16:68,815,597-68,815,598); deleting either gives the same sequence. VCF-style (leftmost placement, unchanged base first): chr16-68815596-AC-A. GRCh37 (hg19) VCF-style: chr16-68849499-AC-A.
Other names: c.1221del, p.Ser408fs (NM_001317184.2); c.-145del (NM_001317185.2); c.-416del (NM_001317186.2); short protein forms S408fs, S469fs.
Identifiers: ClinVar variation 2502957 (VCV002502957.1), dbSNP rs2543930602, ClinGen allele CA645372277.

ClinVar aggregate classification (germline): Pathogenic (1 of 4 stars; one submission).

Conditions:
Hereditary diffuse gastric adenocarcinoma (HDGC). Also called: DIFFUSE GASTRIC AND LOBULAR BREAST CANCER SYNDROME. Identifiers: Orphanet 26106, MedGen C1708349, MONDO:0007648, OMIM 137215.

Submission:

European Reference Network on Genetic Tumour Risk Syndromes (ERN-GENTURIS), i3s - Instituto de Investigação e Inovação em Saúde, University of Porto
Classification: Pathogenic for Hereditary diffuse gastric adenocarcinoma. Last evaluated: 2022-08-01. Review status: criteria provided, single submitter. Criteria: Lee et al. (Hum Mutat. 2018). Collection method: clinical testing. Allele origin: germline. Inheritance: Autosomal dominant inheritance. Affected: yes. Study: ERN GENTURIS.
Comment: PVS1; PS4_Moderate; PM2 (PMID: 30311375)

Literature cited by the submitters: PubMed 36436516; PubMed 26072394.